The following is an entry in ClinVar:

ClinVar aggregate classification (germline): Uncertain significance (1 of 4 stars; one submission).

Conditions:
Myopathy, proximal, and ophthalmoplegia (CMYO6). Also called: INCLUSION BODY MYOPATHY 3, AUTOSOMAL DOMINANT; MYOPATHY WITH CONGENITAL JOINT CONTRACTURES, OPHTHALMOPLEGIA, AND RIMMED VACUOLES; CONGENITAL MYOPATHY 6 WITH OPHTHALMOPLEGIA. Identifiers: Orphanet 363677, Orphanet 79091, MedGen C1854106, MONDO:0011577, OMIM 605637.

Allele frequency attached by ClinVar (database versions not stated): TOPMed below 0.00001; gnomAD 0.00001; gnomAD exomes 0.00001.

Submission:

Institute of Human Genetics, University of Goettingen
Classification: Uncertain significance for Myopathy, proximal, and ophthalmoplegia. Last evaluated: 2020-08-12. Review status: criteria provided, single submitter. Criteria: ACMG Guidelines, 2015. Collection method: clinical testing. Allele origin: unknown. Inheritance: Autosomal dominant inheritance. Observed: 1 heterozygote.
Comment: The c.5149G>A MYH2-variant (p.(Glu1717Lys)) is not found in known databases (ExAC or gnomAD), it affects a highly conserved nucleotide, a highly conserved amino acid and there is a small physicochemical difference between Glu and Lys. The variant is located within a protein domain and has a pathogenic computational verdict based on 11 pathogenic predictions from DANN, EIGEN, FATHMM-MKL, M-CAP, MVP, MutationAssessor, MutationTaster, PrimateAI, REVEL, PolyPhen-2 and SIFT vs 1 benign prediction from DEOGEN2. Thus, we consider this variant as a variant of uncertain significance. ACMG criteria used for classification: PM2, PP2, PP3.

NM_017534.6(MYH2):c.5149G>A (p.Glu1717Lys)

Genes: MYH2 (myosin heavy chain 2; minus strand), MYHAS (myosin heavy chain gene cluster antisense RNA; plus strand). Cytogenetic location: 17p13.1.
Variant type: single nucleotide variant.
Coding change: c.5149G>A on transcript NM_017534.6 (MANE Select); coding-DNA position 5149, G replaced by A.
Protein change: p.Glu1717Lys; replaces glutamic acid 1717 with lysine.
Molecular consequence: missense variant.
Genome position (GRCh38, 1-based): chr17:10,524,492, C>T on the plus strand (G>A on the coding strand, the complement: MYH2 is on the minus strand). VCF-style: chr17-10524492-C-T. GRCh37 (hg19) VCF-style: chr17-10427809-C-T.
Other names: c.5149G>A, p.Glu1717Lys (NM_001100112.2); short protein forms E1717K.
Identifiers: ClinVar variation 978231 (VCV000978231.3), dbSNP rs1479754797, ClinGen allele CA398118872.
Genomic context (GRCh38, chr17:10,524,492, plus strand): 5'-TTTACTAAGGAGAGTTCTTTGTGCTGAATCCCACCTGGGTGTGCAGTAGCTGAACACGCT[C>T]ACTGGCATCCAGGAGCTCCTGTTCTGCGATTTTTCTGCTCCTCTCTGTCTGTTCCAGAGT-3'
Protein context (NP_060004.3, residues 1707-1727): IAEQELLDAS[Glu1717Lys]RVQLLHTQNT